The following is an entry in ClinVar:

NM_001267550.2(TTN):c.88983C>T (p.Gly29661=)

Genes: TTN (titin; minus strand), TTN-AS1 (TTN antisense RNA 1; plus strand). Cytogenetic location: 2q31.2.
Variant type: single nucleotide variant.
Coding change: c.88983C>T on transcript NM_001267550.2 (MANE Select); coding-DNA position 88983, C replaced by T.
Protein change: p.Gly29661=; no amino-acid change (glycine 29661 retained).
Molecular consequence: synonymous variant.
Genome position (GRCh38, 1-based): chr2:178,554,128, G>A on the plus strand (C>T on the coding strand, the complement: TTN is on the minus strand). VCF-style: chr2-178554128-G-A. GRCh37 (hg19) VCF-style: chr2-179418855-G-A.
Other names: c.84060C>T, p.Gly28020= (NM_001256850.1); c.81279C>T, p.Gly27093= (NM_133378.4); c.61788C>T, p.Gly20596= (NM_003319.4); c.62163C>T, p.Gly20721= (NM_133432.3); c.62364C>T, p.Gly20788= (NM_133437.4).
Identifiers: ClinVar variation 284100 (VCV000284100.25), dbSNP rs371678936, ClinGen allele CA1988004.
Genomic context (GRCh38, chr2:178,554,128, plus strand): 5'-AAACCATCCTAGGCTCTTCTTGTCTCGTTTTTCAAGGAAATAGCCACTTATATCACTACC[G>A]CCATCTGCAATTGGCCTGCTCCATACAACAGTCATCGAATTCTTGGTAATCTTTGTCACT-3'
Protein context (NP_001254479.2, residues 29651-29671): TVVWSRPIAD[Gly29661=]GSDISGYFLE

ClinVar aggregate classification (germline): Conflicting classifications of pathogenicity. Review status: criteria provided, conflicting classifications (1 of 4 stars). 7 submissions from 7 submitters: Uncertain significance (1); Likely benign (6). Last evaluated 2025-11-26.

Conditions:
Cardiovascular phenotype. Identifiers: MedGen CN230736.
Autosomal recessive limb-girdle muscular dystrophy type 2J (LGMDR10). Also called: Limb-girdle muscular dystrophy, type 2J; MUSCULAR DYSTROPHY, LIMB-GIRDLE, AUTOSOMAL RECESSIVE 10. Identifiers: Orphanet 140922, MedGen C1837342, MONDO:0012127, OMIM 608807.
Dilated cardiomyopathy 1G (CMD1G). Identifiers: Orphanet 154, MedGen C1858763, MONDO:0011400, OMIM 604145.
Cardiomyopathy (CMYO). Also called: Cardiomyopathies. Identifiers: Orphanet 167848, MedGen C0878544, MONDO:0004994, HP:0001638. Inheritance: Various modes of inheritance.

Allele frequency attached by ClinVar (database versions not stated): gnomAD 0.00001; ExAC 0.00002; gnomAD exomes 0.00002 and 0.00003; TOPMed 0.00002; ESP Exome Variant Server 0.00008.
gnomAD v4.1: 40 of 1,613,564 alleles (0.0025%); highest among the groups gnomAD compares: Non-Finnish European, 0.003%; no homozygotes.

Submissions (7):

Labcorp Genetics (formerly Invitae), Labcorp
Classification: Likely benign for Dilated cardiomyopathy 1G; Autosomal recessive limb-girdle muscular dystrophy type 2J. Last evaluated: 2025-11-26. Review status: criteria provided, single submitter. Criteria: Invitae Variant Classification Sherloc (09022015). Collection method: clinical testing. Allele origin: germline.

CHEO Genetics Diagnostic Laboratory, Children's Hospital of Eastern Ontario
Classification: Likely benign for Cardiomyopathy. Last evaluated: 2022-08-31. Review status: criteria provided, single submitter. Criteria: ACMG Guidelines, 2015. Collection method: clinical testing. Allele origin: germline.

Ambry Genetics
Classification: Likely benign for Cardiovascular phenotype. Last evaluated: 2020-05-28. Review status: criteria provided, single submitter. Criteria: Ambry Variant Classification Scheme 2023. Collection method: clinical testing. Allele origin: germline.

GeneDx
Classification: Likely benign. Last evaluated: 2019-01-11. Review status: criteria provided, single submitter. Criteria: GeneDx Variant Classification Process June 2021. Collection method: clinical testing. Allele origin: germline. Affected: yes.

Blueprint Genetics
Classification: Likely benign. Last evaluated: 2018-11-27. Review status: criteria provided, single submitter. Criteria: ACMG Guidelines, 2015. Collection method: clinical testing. Allele origin: germline.

Eurofins Ntd Llc (ga)
Classification: Uncertain significance. Last evaluated: 2015-10-15. Review status: criteria provided, single submitter. Criteria: EGL Classification Definitions 2015. Collection method: clinical testing. Allele origin: germline. Observed: 2 variant alleles, 2 heterozygotes.

Laboratory for Molecular Medicine, Mass General Brigham Personalized Medicine
Classification: Likely benign. Last evaluated: 2012-03-19. Review status: criteria provided, single submitter. Criteria: LMM Criteria. Collection method: clinical testing. Allele origin: germline. Observed: 2 variant alleles.
Comment: p.Gly27093Gly in exon 282 of TTN: This variant is not expected to have clinical significance because it does not alter an amino acid residue nor is it located within the splice consensus sequence. It has been identified in 4/125304 Europea n chromosomes by the Genome Aggregation Database (qnomAD; dbSNP rs371678936).